The following is an entry in ClinVar:

ClinVar aggregate classification (germline): Uncertain significance (0 of 4 stars; one submission).

Conditions:
HUWE1-related disorder. Also called: HUWE1-related condition.

Submission:

PreventionGenetics, part of Exact Sciences
Classification: Uncertain significance for HUWE1-related condition. Last evaluated: 2024-04-04. Review status: no assertion criteria provided. Collection method: clinical testing. Allele origin: germline.
Comment: The HUWE1 c.4816A>C variant is predicted to result in the amino acid substitution p.Met1606Leu. To our knowledge, this variant has not been reported in the literature or in a large population database, indicating this variant is rare. At this time, the clinical significance of this variant is uncertain due to the absence of conclusive functional and genetic evidence.

NM_031407.7(HUWE1):c.4816A>C (p.Met1606Leu)

Gene: HUWE1 (HECT, UBA and WWE domain containing E3 ubiquitin protein ligase 1; minus strand). Cytogenetic location: Xp11.22.
Variant type: single nucleotide variant.
Coding change: c.4816A>C on transcript NM_031407.7 (MANE Select); coding-DNA position 4816, A replaced by C.
Protein change: p.Met1606Leu; replaces methionine 1606 with leucine.
Molecular consequence: missense variant.
Genome position (GRCh38, 1-based): chrX:53,586,498, T>G on the plus strand (A>C on the coding strand, the complement: HUWE1 is on the minus strand). VCF-style: chrX-53586498-T-G. GRCh37 (hg19) VCF-style: chrX-53613458-T-G.
Other names: short protein forms M1606L.
Identifiers: ClinVar variation 3346447 (VCV003346447.1).